The following is an entry in ClinVar:

NM_001987.5(ETV6):c.748G>A (p.Glu250Lys)

Gene: ETV6 (ETS variant transcription factor 6; plus strand). Cytogenetic location: 12p13.2.
Variant type: single nucleotide variant.
Coding change: c.748G>A on transcript NM_001987.5 (MANE Select); coding-DNA position 748, G replaced by A.
Protein change: p.Glu250Lys; replaces glutamic acid 250 with lysine.
Molecular consequence: missense variant.
Genome position (GRCh38, 1-based): chr12:11,869,708, G>A. VCF-style: chr12-11869708-G-A. GRCh37 (hg19) VCF-style: chr12-12022642-G-A.
Other names: c.745G>A, p.Glu249Lys (NM_001413913.1); c.721G>A, p.Glu241Lys (NM_001413914.1); c.484G>A, p.Glu162Lys (NM_001413915.1); c.748G>A, p.Glu250Lys (NM_001413916.1, NM_001413917.1); short protein forms E241K, E250K, E162K, E249K.
Identifiers: ClinVar variation 3846512 (VCV003846512.1).

ClinVar aggregate classification (germline): Uncertain significance (1 of 4 stars; one submission).

Conditions:
Inborn genetic diseases. Identifiers: MedGen C0950123, MeSH D030342.

gnomAD v4.1: 5 of 1,613,944 alleles (0.00031%); highest among the groups gnomAD compares: African/African-American, 0.0013%; no homozygotes.

Submission:

Ambry Genetics
Classification: Uncertain significance for Inborn genetic diseases. Last evaluated: 2025-01-20. Review status: criteria provided, single submitter. Criteria: Ambry Variant Classification Scheme 2023. Collection method: clinical testing. Allele origin: germline.
Comment: The p.E250K variant (also known as c.748G>A), located in coding exon 5 of the ETV6 gene, results from a G to A substitution at nucleotide position 748. The glutamic acid at codon 250 is replaced by lysine, an amino acid with similar properties. This amino acid position is conserved. In addition, this alteration is predicted to be tolerated by in silico analysis. Based on the available evidence, the clinical significance of this variant remains unclear.